The following is an entry in ClinVar:

ClinVar aggregate classification (germline): Uncertain significance (1 of 4 stars; one submission).

Allele frequency attached by ClinVar (database versions not stated): gnomAD exomes below 0.00001 and 0.00001; TOPMed 0.00001.
gnomAD v4.1: 8 of 1,612,472 alleles (0.0005%); highest among the groups gnomAD compares: African/African-American, 0.0013%; no homozygotes.

Submission:

Labcorp Genetics (formerly Invitae), Labcorp
Classification: Uncertain significance. Last evaluated: 2022-07-29. Review status: criteria provided, single submitter. Criteria: Invitae Variant Classification Sherloc (09022015). Collection method: clinical testing. Allele origin: germline.
Comment: This sequence change replaces leucine, which is neutral and non-polar, with proline, which is neutral and non-polar, at codon 385 of the FERMT1 protein (p.Leu385Pro). This variant is present in population databases (no rsID available, gnomAD 0.007%). This variant has not been reported in the literature in individuals affected with FERMT1-related conditions. ClinVar contains an entry for this variant (Variation ID: 1519505). Algorithms developed to predict the effect of missense changes on protein structure and function (SIFT, PolyPhen-2, Align-GVGD) all suggest that this variant is likely to be tolerated. In summary, the available evidence is currently insufficient to determine the role of this variant in disease. Therefore, it has been classified as a Variant of Uncertain Significance.

NM_017671.5(FERMT1):c.1154T>C (p.Leu385Pro)

Gene: FERMT1 (FERM domain containing kindlin 1; minus strand). Cytogenetic location: 20p12.3.
Variant type: single nucleotide variant.
Coding change: c.1154T>C on transcript NM_017671.5 (MANE Select); coding-DNA position 1154, T replaced by C.
Protein change: p.Leu385Pro; replaces leucine 385 with proline.
Molecular consequence: missense variant.
Genome position (GRCh38, 1-based): chr20:6,089,075, A>G on the plus strand (T>C on the coding strand, the complement: FERMT1 is on the minus strand). VCF-style: chr20-6089075-A-G. GRCh37 (hg19) VCF-style: chr20-6069722-A-G.
Other names: short protein forms L385P.
Identifiers: ClinVar variation 1519505 (VCV001519505.6), dbSNP rs1175057823, ClinGen allele CA408181221.
Genomic context (GRCh38, chr20:6,089,075, plus strand): 5'-TTAAAGTATGCTATGGATGTGTCTTTAAAGATAAACCAATATTGTTTGAAAGCTTTTGGT[A>G]GTAACTTCTTGGGCCTGCAAATTCAAAGATAGTGAATGTTTAAACCACCACCCAGAAATG-3'
Protein context (NP_060141.3, residues 375-395): NLKLFRPKKL[Leu385Pro]PKAFKQYWFI